The following is an entry in ClinVar:

ClinVar aggregate classification (germline): Uncertain significance (1 of 4 stars; one submission).

Conditions:
Agammaglobulinemia 6, autosomal recessive (AGM6). Also called: AGAMMAGLOBULINEMIA 6; AGAMMAGLOBULINEMIA, AUTOSOMAL RECESSIVE, DUE TO CD79B DEFECT. Identifiers: MedGen C3150207, MONDO:0012987, OMIM 612692.

Allele frequency attached by ClinVar (database versions not stated): gnomAD exomes below 0.00001; TOPMed below 0.00001.

Submission:

Labcorp Genetics (formerly Invitae), Labcorp
Classification: Uncertain significance for Agammaglobulinemia 6, autosomal recessive. Last evaluated: 2024-07-12. Review status: criteria provided, single submitter. Criteria: Invitae Variant Classification Sherloc (09022015). Collection method: clinical testing. Allele origin: germline.
Comment: This sequence change replaces arginine, which is basic and polar, with histidine, which is basic and polar, at codon 51 of the CD79B protein (p.Arg51His). This variant is present in population databases (no rsID available, gnomAD 0.0009%). This variant has not been reported in the literature in individuals affected with CD79B-related conditions. ClinVar contains an entry for this variant (Variation ID: 1488824). An algorithm developed to predict the effect of missense changes on protein structure and function (PolyPhen-2) suggests that this variant is likely to be disruptive. In summary, the available evidence is currently insufficient to determine the role of this variant in disease. Therefore, it has been classified as a Variant of Uncertain Significance.

NM_000626.4(CD79B):c.152G>A (p.Arg51His)

Genes: CD79B (CD79b molecule; minus strand), GH-LCR (growth hormone locus control region; plus strand). Cytogenetic location: 17q23.3.
Variant type: single nucleotide variant.
Coding change: c.152G>A on transcript NM_000626.4 (MANE Select); coding-DNA position 152, G replaced by A.
Protein change: p.Arg51His; replaces arginine 51 with histidine.
Molecular consequence: missense variant. On other transcripts: intron variant (2).
Genome position (GRCh38, 1-based): chr17:63,930,352, C>T on the plus strand (G>A on the coding strand, the complement: CD79B is on the minus strand). VCF-style: chr17-63930352-C-T. GRCh37 (hg19) VCF-style: chr17-62007712-C-T.
Other names: c.155G>A, p.Arg52His (NM_001039933.3); c.119-464G>A (NM_021602.4); c.122-464G>A (NM_001329050.2); short protein forms R51H, R52H.
Identifiers: ClinVar variation 1488824 (VCV001488824.7), dbSNP rs1401272877, ClinGen allele CA400605412.